The following is an entry in ClinVar:

NM_181523.3(PIK3R1):c.703C>T (p.Gln235Ter)

Gene: PIK3R1 (phosphoinositide-3-kinase regulatory subunit 1; plus strand). Cytogenetic location: 5q13.1.
Variant type: single nucleotide variant.
Coding change: c.703C>T on transcript NM_181523.3 (MANE Select); coding-DNA position 703, C replaced by T.
Protein change: p.Gln235Ter; replaces glutamine 235 with a stop codon.
Molecular consequence: nonsense.
Genome position (GRCh38, 1-based): chr5:68,280,596, C>T. VCF-style: chr5-68280596-C-T. GRCh37 (hg19) VCF-style: chr5-67576424-C-T.
Other names: short protein forms Q235*.
Identifiers: ClinVar variation 3901222 (VCV003901222.3).

ClinVar aggregate classification (germline): Pathogenic. Review status: criteria provided, single submitter (1 of 4 stars). 2 submissions from 2 submitters: Pathogenic (1). 1 of the submissions does not count toward it. Last evaluated 2025-06-14.

Conditions:
Immunodeficiency 14 (IMD14A). Also called: ACTIVATED PI3K-DELTA SYNDROME 1; Activated PI3K Delta Syndrome Type 1 (APDS1); p110-DELTA-ACTIVATING MUTATION CAUSING SENESCENT T CELLS, LYMPHADENOPATHY, AND IMMUNODEFICIENCY; IMMUNODEFICIENCY 14A WITH LYMPHOPROLIFERATION, AUTOSOMAL DOMINANT. Identifiers: Orphanet 397596, Orphanet 693661, MedGen C5907821, MONDO:0014222, OMIM 615513.
Agammaglobulinemia 7, autosomal recessive (AGM7). Also called: AGAMMAGLOBULINEMIA, AUTOSOMAL RECESSIVE, DUE TO PIK3R1 DEFECT. Identifiers: MedGen C3554689, MONDO:0014083, OMIM 615214.
Immunodeficiency 36 with lymphoproliferation. Also called: ACTIVATED PI3K-DELTA SYNDROME 2; Activated PI3K Delta Syndrome Type 2 (APDS2); Immunodeficiency 36. Identifiers: Orphanet 397596, Orphanet 693681, MedGen C4014934, MONDO:0014453, OMIM 616005.
SHORT syndrome. Also called: SHORT STATURE, HYPEREXTENSIBILITY, HERNIA, OCULAR DEPRESSION, RIEGER ANOMALY, AND TEETHING DELAY; PIK3R1-Related SHORT Syndrome; LIPODYSTROPHY, PARTIAL, WITH RIEGER ANOMALY AND SHORT STATURE. Identifiers: Orphanet 3163, MedGen C0878684, MONDO:0010026, OMIM 269880.

Submissions (2):

Labcorp Genetics (formerly Invitae), Labcorp
Classification: Pathogenic for SHORT syndrome; Immunodeficiency 36 with lymphoproliferation; Agammaglobulinemia 7, autosomal recessive. Last evaluated: 2025-06-14. Review status: criteria provided, single submitter. Criteria: Invitae Variant Classification Sherloc (09022015). Collection method: clinical testing. Allele origin: germline.
Comment: This sequence change creates a premature translational stop signal (p.Gln235*) in the PIK3R1 gene. It is expected to result in an absent or disrupted protein product. Loss-of-function variants in PIK3R1 are known to be pathogenic (PMID: 22351933, 25133428). This variant is not present in population databases (gnomAD no frequency). This variant has not been reported in the literature in individuals affected with PIK3R1-related conditions. For these reasons, this variant has been classified as Pathogenic.

Rarefied Biosciences Lab
Classification: Likely benign for Immunodeficiency 14. Review status: no assertion criteria provided. Collection method: research. Allele origin: germline, not applicable. Affected: yes. Functional consequence: gain_of_function_variant. Not counted in ClinVar's aggregate classification.
Comment: PIK3R1 c.703C>T (p.Gln235Ter) variant is a nonsense change predicted to introduce a premature stop codon at position 235 (p.Gln235Ter). This variant is not currently present in gnomAD exome variant calls; however, its locus is well-covered in gnomAD exomes (mean coverage 30.3, median 31, with 96.19% of samples having >20x coverage), indicating that this is a rare event rather than a technical artifact. The conservation score is high (phyloP100: 7.376), indicating evolutionary constraint at this position. Functional immune profiling revealed T follicular helper (TFH) cells at 10.4% and transitional B cells at 5.2%, both within normal ranges. Additionally, there was no evidence of aberrant mTOR activation, indicating that PI3K signaling is intact and not consistent with a pathogenic gain-of-function or dominant-negative effect. Given the absence of functional abnormalities, normal immune parameters, lack of mTOR activation, and no known disease association for truncating variants at this position in PIK3R1, the c.703C>T (p.Gln235Ter) variant is classified as Likely Benign

Literature cited by the submitters: PubMed 22351933 (cited by Labcorp Genetics (formerly Invitae), Labcorp); PubMed 25133428 (cited by Labcorp Genetics (formerly Invitae), Labcorp); PubMed 31031754 (cited by Rarefied Biosciences Lab).